The following is an entry in ClinVar:

NM_004820.5(CYP7B1):c.521G>T (p.Ser174Ile)

Gene: CYP7B1 (cytochrome P450 family 7 subfamily B member 1; minus strand). Cytogenetic location: 8q12.3.
Variant type: single nucleotide variant.
Coding change: c.521G>T on transcript NM_004820.5 (MANE Select); coding-DNA position 521, G replaced by T.
Protein change: p.Ser174Ile; replaces serine 174 with isoleucine.
Molecular consequence: missense variant.
Genome position (GRCh38, 1-based): chr8:64,616,020, C>A on the plus strand (G>T on the coding strand, the complement: CYP7B1 is on the minus strand). VCF-style: chr8-64616020-C-A. GRCh37 (hg19) VCF-style: chr8-65528577-C-A.
Other names: c.521G>T, p.Ser174Ile (NM_001324112.2); short protein forms S174I.
Identifiers: ClinVar variation 2124555 (VCV002124555.4), dbSNP rs2487191457, ClinGen allele CA371335564.

ClinVar aggregate classification (germline): Uncertain significance (1 of 4 stars; one submission).

Conditions:
Spastic paraplegia. Identifiers: MedGen C0037772, HP:0001258.

Submission:

Labcorp Genetics (formerly Invitae), Labcorp
Classification: Uncertain significance for Spastic paraplegia. Last evaluated: 2022-04-11. Review status: criteria provided, single submitter. Criteria: Invitae Variant Classification Sherloc (09022015). Collection method: clinical testing. Allele origin: germline.
Comment: Algorithms developed to predict the effect of missense changes on protein structure and function are either unavailable or do not agree on the potential impact of this missense change (SIFT: "Deleterious"; PolyPhen-2: "Possibly Damaging"; Align-GVGD: "Class C15"). This variant has not been reported in the literature in individuals affected with CYP7B1-related conditions. This variant is not present in population databases (gnomAD no frequency). This sequence change replaces serine, which is neutral and polar, with isoleucine, which is neutral and non-polar, at codon 174 of the CYP7B1 protein (p.Ser174Ile). In summary, the available evidence is currently insufficient to determine the role of this variant in disease. Therefore, it has been classified as a Variant of Uncertain Significance.